The following is an entry in ClinVar:

NM_000489.6(ATRX):c.5281A>G (p.Met1761Val)

Gene: ATRX (ATRX chromatin remodeler; minus strand). Cytogenetic location: Xq21.1.
Variant type: single nucleotide variant.
Coding change: c.5281A>G on transcript NM_000489.6 (MANE Select); coding-DNA position 5281, A replaced by G.
Protein change: p.Met1761Val; replaces methionine 1761 with valine.
Molecular consequence: missense variant.
Genome position (GRCh38, 1-based): chrX:77,618,973, T>C on the plus strand (A>G on the coding strand, the complement: ATRX is on the minus strand). VCF-style: chrX-77618973-T-C. GRCh37 (hg19) VCF-style: chrX-76874441-T-C.
Other names: c.5167A>G, p.Met1723Val (NM_138270.5); short protein forms M1723V, M1761V.
Identifiers: ClinVar variation 1343274 (VCV001343274.6), dbSNP rs2148260943, ClinGen allele CA413701186.

ClinVar aggregate classification (germline): Likely pathogenic. Review status: criteria provided, multiple submitters, no conflicts (2 of 4 stars). 4 submissions from 4 submitters: Likely pathogenic (4). Last evaluated 2025-05-16.

Conditions:
Intellectual disability-hypotonic facies syndrome, X-linked, 1 (MRXHF1). Also called: CHUDLEY-LOWRY SYNDROME; Chudley syndrome 1; Chudley-Lowry-Hoar syndrome; Carpenter-Waziri syndrome; Smith Fineman Myers syndrome 1; HOLMES-GANG SYNDROME. Identifiers: Orphanet 73220, Orphanet 93970, Orphanet 93971, Orphanet 93972, Orphanet 93973, Orphanet 93974, Orphanet 93975, MedGen C4759781, MONDO:0010663, OMIM 309580.
Alpha thalassemia-X-linked intellectual disability syndrome (ATRX). Also called: ATR-X syndrome; Alpha thalassemia mental retardation syndrome, nondeletion type, X-linked; XLMR hypotonic face syndrome; X-linked alpha-thalassemia-mental retardation syndrome; ALPHA-THALASSEMIA/IMPAIRED INTELLECTUAL DEVELOPMENT SYNDROME, X-LINKED; ALPHA-THALASSEMIA/MENTAL RETARDATION SYNDROME, X-LINKED. Identifiers: Orphanet 847, MedGen C1845055, MONDO:0010519, OMIM 301040.

Submissions (4):

Institute of Medical Genetics and Applied Genomics, University Hospital Tübingen
Classification: Likely pathogenic for Alpha thalassemia-X-linked intellectual disability syndrome. Last evaluated: 2025-05-16. Review status: criteria provided, single submitter. Criteria: ACMG Guidelines, 2015. Collection method: clinical testing. Allele origin: germline. Inheritance: X-linked recessive inheritance. Affected: yes.

GeneDx
Classification: Likely pathogenic. Last evaluated: 2025-01-29. Review status: criteria provided, single submitter. Criteria: GeneDx Variant Classification Process June 2021. Collection method: clinical testing. Allele origin: germline. Affected: yes.
Comment: Not observed at significant frequency in large population cohorts (gnomAD); In silico analysis supports that this missense variant has a deleterious effect on protein structure/function; Has not been previously published as pathogenic or benign to our knowledge; This variant is associated with the following publications: (PMID: 18409179)

3billion
Classification: Likely pathogenic for Intellectual disability-hypotonic facies syndrome, X-linked, 1. Last evaluated: 2023-02-23. Review status: criteria provided, single submitter. Criteria: ACMG Guidelines, 2015. Collection method: clinical testing. Allele origin: unknown. Affected: yes.
Comment: The variant is not observed in the gnomAD v2.1.1 dataset. Missense changes are a common disease-causing mechanism. In silico tool predictions suggest damaging effect of the variant on gene or gene product (REVEL: 0.88; 3Cnet: 0.96). Same nucleotide change resulting in same amino acid change has been previously reported as pathogenic/likely pathogenic with strong evidence (ClinVar ID: VCV001343274). A different missense change at the same codon (p.Met1761Thr) has been reported to be associated with ATRX-related disorder (PMID: 21267006). Therefore, this variant is classified as Likely pathogenic according to the recommendation of ACMG/AMP guideline.

Institute of Human Genetics, Clinical Exome/Genome Diagnostics Group, University Hospital Bonn
Classification: Likely pathogenic. Last evaluated: 2021-10-11. Review status: criteria provided, single submitter. Criteria: ACMG Guidelines, 2015. Collection method: clinical testing. Allele origin: germline. Affected: yes.
Comment: PM2, PM5, PP2, PP3

Literature cited by the submitters: PubMed 21267006 (cited by 3billion).